The following continues an entry in ClinVar:

NM_001613.4(ACTA2):c.772C>T (p.Arg258Cys)

ClinVar aggregate classification (germline): Pathogenic. Pathogenic (7).

Submissions 6 to 9 of 9:

Molecular Genetics, Royal Melbourne Hospital
Classification: Pathogenic for Familial thoracic aortic aneurysm and aortic dissection. Last evaluated: 2023-06-06. Review status: criteria provided, single submitter. Criteria: ACMG Guidelines, 2015. Collection method: clinical testing. Allele origin: germline. Inheritance: Autosomal dominant inheritance. Affected: yes.
Comment: This sequence change in ACTA2 is predicted to replace arginine with cysteine at codon 258, p.(Arg258Cys). The arginine residue is highly conserved (100 vertebrates, UCSC), and is located in the SM alpha-actin SD4 domain (PMID: 19409525). There is a large physicochemical difference between arginine and cysteine. ACTA2, in which the variant was identified, is a gene that has a low rate of benign missense variation and where pathogenic missense variants are a common mechanism of disease (gnomAD v2.1). This variant is present in a single individual from the European (non-Finnish) population in the population database gnomAD v2.1 (1/68,040 alleles), which is consistent with ACTA2-related disease. This variant has been reported in multiple probands with thoracic aortic aneurysm and aortic dissection (TAAD) with/without premature stroke, and segregates with disease in multiple families (PMID: 19409525, 25644172, 25759435, 37042257). The variant has also been identified as a de novo occurrence with confirmed parental relationships in one family with cerebral arteriopathy and mild TAAD and as a de novo occurrence with unconfirmed parental relationships in one individual with TAAD (PMID: 19409525, 33513575). This variant alters protein function in a dominant negative manner in both in vitro functional assays and patient fibroblasts (PMID: 26153420, 28652363). Computational evidence predicts a deleterious effect for the missense substitution (REVEL = 0.932). Based on the classification scheme RMH Modified ACMG/AMP Guidelines v1.6.1, this variant is classified as PATHOGENIC. Following criteria are met: PS4_Moderate, PS2_Moderate/PM6, PP1_Moderate, PP3_Moderate, PS3_Supporting, PM2_Supporting, PP2, PP4.

Ambry Genetics
Classification: Pathogenic for Familial thoracic aortic aneurysm and aortic dissection. Last evaluated: 2020-03-04. Review status: criteria provided, single submitter. Criteria: Ambry Variant Classification Scheme 2023. Collection method: clinical testing. Allele origin: germline.
Comment: The p.R258C pathogenic mutation (also known as c.772C>T), located in coding exon 6 of the ACTA2 gene, results from a C to T substitution at nucleotide position 772. The arginine at codon 258 is replaced by cysteine, an amino acid with highly dissimilar properties. This variant was found to segregate with disease in two unrelated families with familial thoracic aortic aneurysms and dissections (TAAD) and premature ischemic strokes (Guo DC et al. Am J Hum Genet. 2009;84(5):617-27). This variant was also reported as de novo in one family with TAAD (Guo et al 2009). In addition, this variant very likely resulted from a de novo event in one family tested in our laboratory. Based on the supporting evidence, this alteration is interpreted as a disease-causing mutation.

OMIM
Classification: Pathogenic for AORTIC ANEURYSM, FAMILIAL THORACIC 6. Last evaluated: 2009-05-01. Review status: no assertion criteria provided. Collection method: literature only. Allele origin: germline. Not counted in ClinVar's aggregate classification.

OMIM
Classification: Pathogenic for MOYAMOYA DISEASE 5. Last evaluated: 2009-05-01. Review status: no assertion criteria provided. Collection method: literature only. Allele origin: germline. Not counted in ClinVar's aggregate classification.

Literature cited by the submitters: PubMed 17994018 (cited by 4 submitters); PubMed 19409525 (cited by 6 submitters); PubMed 25644172 (cited by 5 submitters); PubMed 26153420 (cited by 4 submitters); PubMed 27551047 (cited by Victorian Clinical Genetics Services, Murdoch Childrens Research Institute); PubMed 28652363 (cited by 4 submitters); PubMed 33513575 (cited by 3 submitters); PubMed 36053285 (cited by Victorian Clinical Genetics Services, Murdoch Childrens Research Institute and Color Diagnostics, LLC DBA Color Health); PubMed 25759435 (cited by Color Diagnostics, LLC DBA Color Health and Molecular Genetics, Royal Melbourne Hospital); PubMed 30341550 (cited by Color Diagnostics, LLC DBA Color Health and Ambry Genetics); PubMed 37042257 (cited by Molecular Genetics, Royal Melbourne Hospital).